The following is an entry in ClinVar:

ClinVar aggregate classification (germline): Uncertain significance. Review status: criteria provided, multiple submitters, no conflicts (2 of 4 stars). 5 submissions from 5 submitters: Uncertain significance (4). 1 of the submissions does not count toward it. Last evaluated 2024-10-14.

Conditions:
RAD50-related disorder. Also called: RAD50-related condition.
Hereditary cancer-predisposing syndrome. Also called: Hereditary neoplastic syndrome; Neoplastic Syndromes, Hereditary; Hereditary Cancer Syndrome; Tumor predisposition. Identifiers: Orphanet 140162, MedGen C0027672, MeSH D009386, MONDO:0015356.

Allele frequency attached by ClinVar (database versions not stated): gnomAD exomes 0.00001.
gnomAD v4.1: 4 of 1,610,572 alleles (0.00025%); highest among the groups gnomAD compares: Non-Finnish European, 0.00034%; no homozygotes.

Submissions (5):

Women's Health and Genetics/Laboratory Corporation of America, LabCorp
Classification: Uncertain significance. Last evaluated: 2024-10-14. Review status: criteria provided, single submitter. Criteria: LabCorp Variant Classification Summary - May 2015. Collection method: clinical testing. Allele origin: germline.
Comment: Variant summary: RAD50 c.2213G>A (p.Ser738Asn) results in a conservative amino acid change in the encoded protein sequence. Five of five in-silico tools predict a benign effect of the variant on protein function. The variant allele was found at a frequency of 2.5e-06 in 1610572 control chromosomes. The available data on variant occurrences in the general population are insufficient to allow any conclusion about variant significance. To our knowledge, no occurrence of c.2213G>A in individuals affected with RAD50-related conditions and no experimental evidence demonstrating its impact on protein function have been reported. ClinVar contains an entry for this variant (Variation ID: 128002). Based on the evidence outlined above, the variant was classified as uncertain significance.

Ambry Genetics
Classification: Uncertain significance for Hereditary cancer-predisposing syndrome. Last evaluated: 2023-11-22. Review status: criteria provided, single submitter. Criteria: Ambry Variant Classification Scheme 2023. Collection method: clinical testing. Allele origin: germline.
Comment: The p.S738N variant (also known as c.2213G>A), located in coding exon 14 of the RAD50 gene, results from a G to A substitution at nucleotide position 2213. The serine at codon 738 is replaced by asparagine, an amino acid with highly similar properties. This amino acid position is not well conserved in available vertebrate species. In addition, this alteration is predicted to be tolerated by in silico analysis. Since supporting evidence is limited at this time, the clinical significance of this alteration remains unclear.

Labcorp Genetics (formerly Invitae), Labcorp
Classification: Uncertain significance for Hereditary cancer-predisposing syndrome. Last evaluated: 2023-04-07. Review status: criteria provided, single submitter. Criteria: Invitae Variant Classification Sherloc (09022015). Collection method: clinical testing. Allele origin: germline.
Comment: In summary, the available evidence is currently insufficient to determine the role of this variant in disease. Therefore, it has been classified as a Variant of Uncertain Significance. Advanced modeling of protein sequence and biophysical properties (such as structural, functional, and spatial information, amino acid conservation, physicochemical variation, residue mobility, and thermodynamic stability) performed at Invitae indicates that this missense variant is not expected to disrupt RAD50 protein function. ClinVar contains an entry for this variant (Variation ID: 128002). This variant has not been reported in the literature in individuals affected with RAD50-related conditions. This variant is not present in population databases (gnomAD no frequency). This sequence change replaces serine, which is neutral and polar, with asparagine, which is neutral and polar, at codon 738 of the RAD50 protein (p.Ser738Asn).

GeneDx
Classification: Uncertain significance. Last evaluated: 2013-12-27. Review status: criteria provided, single submitter. Criteria: GeneDx Variant Classification (06012015). Collection method: clinical testing. Allele origin: germline. Affected: yes.
Comment: NULL The variant is found in BR-OV-HEREDIC panel(s).

PreventionGenetics, part of Exact Sciences
Classification: Uncertain significance for RAD50-related condition. Last evaluated: 2024-09-04. Review status: no assertion criteria provided. Collection method: clinical testing. Allele origin: germline. Not counted in ClinVar's aggregate classification.
Comment: The RAD50 c.2213G>A variant is predicted to result in the amino acid substitution p.Ser738Asn. To our knowledge, this variant has not been reported in the literature or in a large population database, indicating this variant is rare. This variant is interpreted as uncertain significance in ClinVar. At this time, the clinical significance of this variant is uncertain due to the absence of conclusive functional and genetic evidence.

NM_005732.4(RAD50):c.2213G>A (p.Ser738Asn)

Gene: RAD50 (RAD50 double strand break repair protein; plus strand). Cytogenetic location: 5q31.1.
Variant type: single nucleotide variant.
Coding change: c.2213G>A on transcript NM_005732.4 (MANE Select); coding-DNA position 2213, G replaced by A.
Protein change: p.Ser738Asn; replaces serine 738 with asparagine.
Molecular consequence: missense variant.
Genome position (GRCh38, 1-based): chr5:132,603,305, G>A. VCF-style: chr5-132603305-G-A. GRCh37 (hg19) VCF-style: chr5-131938997-G-A.
Other names: short protein forms S738N.
Identifiers: ClinVar variation 128002 (VCV000128002.16), dbSNP rs587780152, ClinGen allele CA288199.